The following is an entry in ClinVar:

NM_000492.4(CFTR):c.2908+1G>A

Gene: CFTR (CF transmembrane conductance regulator; plus strand). Cytogenetic location: 7q31.2.
Variant type: single nucleotide variant.
Coding change: c.2908+1G>A on transcript NM_000492.4 (MANE Select); the canonical splice donor site of the intron after coding-DNA position 2908, G replaced by A.
Molecular consequence: splice donor variant.
Genome position (GRCh38, 1-based): chr7:117,603,783, G>A. VCF-style: chr7-117603783-G-A. GRCh37 (hg19) VCF-style: chr7-117243837-G-A.
Identifiers: ClinVar variation 411122 (VCV000411122.18), dbSNP rs1060503164, ClinGen allele CA16612092.
Genomic context (GRCh38, chr7:117,603,783, plus strand): 5'-ACAAAATGTTACATTCTGTTCTTCAAGCACCTATGTCAACCCTCAACACGTTGAAAGCAG[G>A]TACTTTACTAGGTCTAAGAAATGAAACTGCTGATCCACCATCAATAGGGCCTGTGGTTTT-3'

ClinVar aggregate classification (germline): Pathogenic/Likely pathogenic. Review status: criteria provided, multiple submitters, no conflicts (2 of 4 stars). 6 submissions from 6 submitters: Pathogenic (2); Likely pathogenic (4). Last evaluated 2026-04-06.

Conditions:
Cystic fibrosis (CF). Also called: MUCOVISCIDOSIS. Identifiers: Orphanet 586, MedGen C0010674, MONDO:0009061, OMIM 219700. Disease mechanism: loss of function.
CFTR-related disorder (CFTR-RD). Also called: CFTR-related condition; CFTR-related disorders. Identifiers: MedGen C5924204, MONDO:7770004.
Bronchiectasis with or without elevated sweat chloride 1 (BESC1). Also called: Cystic Fibrosis-Like Syndrome. Identifiers: Orphanet 60033, MedGen C2749757, MONDO:0008887, OMIM 211400.

Submissions (6):

Women's Health and Genetics/Laboratory Corporation of America, LabCorp
Classification: Likely pathogenic for Cystic fibrosis. Last evaluated: 2026-04-06. Review status: criteria provided, single submitter. Criteria: LabCorp Variant Classification Summary - May 2015. Collection method: clinical testing. Allele origin: germline.
Comment: Variant summary: CFTR c.2908+1G>A is located in a canonical splice-site and is predicted to affect mRNA splicing resulting in a significantly altered protein due to either exon skipping, shortening, or inclusion of intronic material. Variants that disrupt the consensus splice site are a relatively common cause of aberrant splicing and loss of CFTR function. Several computational tools predict a significant impact on normal splicing: Three predict the variant abolishes a 5' splicing donor site. However, these predictions have yet to be confirmed by functional studies. The variant was absent in 251120 control chromosomes. c.2908+1G>A, also reported as "3040+1G>A", has been observed in the presumed compound heterozygous state in at least 1 individual(s) affected with Cystic Fibrosis (example, Anghel_2024) as well as in an unknown state in another individual from a cohort with cystic fibrosis (example, Schrijver_2016). To our knowledge, no experimental evidence demonstrating an impact on protein function has been reported. The following publications have been ascertained in the context of this evaluation (PMID: 26708955, 39296431). ClinVar contains an entry for this variant (Variation ID: 411122). Based on the evidence outlined above, the variant was classified as likely pathogenic.

Natera, Inc.
Classification: Pathogenic for CFTR-related disorders. Last evaluated: 2024-12-04. Review status: criteria provided, single submitter. Criteria: Natera Variant Classification Schema (03/2026). Collection method: clinical testing. Allele origin: germline.
Comment: The c.2908+1G>A variant in CFTR is a canonical splice donor site variant predicted to affect pre-mRNA splicing, which may result in an abnormal transcript and altered protein product. This variant is expected to result in nonsense mediated decay, truncation, or a dysfunctional protein product. This variant is rare in the general population with a frequency below the threshold expected for the associated phenotype(s). This variant has been observed in one or more individuals affected with the associated recessive disease, as either homozygous or compound heterozygous with a second variant (PMID: 39151434, 39296431). Given the available evidence, this variant is classified as Pathogenic.

Labcorp Genetics (formerly Invitae), Labcorp
Classification: Likely pathogenic for Cystic fibrosis. Last evaluated: 2024-09-02. Review status: criteria provided, single submitter. Criteria: Invitae Variant Classification Sherloc (09022015). Collection method: clinical testing. Allele origin: germline.
Comment: This sequence change affects a donor splice site in intron 17 of the CFTR gene. It is expected to disrupt RNA splicing. Variants that disrupt the donor or acceptor splice site typically lead to a loss of protein function (PMID: 16199547), and loss-of-function variants in CFTR are known to be pathogenic (PMID: 1695717, 7691345, 9725922). This variant is not present in population databases (gnomAD no frequency). Disruption of this splice site has been observed in individual(s) with cystic fibrosis (PMID: 26708955). ClinVar contains an entry for this variant (Variation ID: 411122). Algorithms developed to predict the effect of sequence changes on RNA splicing suggest that this variant may disrupt the consensus splice site. In summary, the currently available evidence indicates that the variant is pathogenic, but additional data are needed to prove that conclusively. Therefore, this variant has been classified as Likely Pathogenic.

Baylor Genetics
Classification: Likely pathogenic for Bronchiectasis with or without elevated sweat chloride 1. Last evaluated: 2024-01-17. Review status: criteria provided, single submitter. Criteria: ACMG Guidelines, 2015. Collection method: clinical testing. Allele origin: unknown.

CFTR-France
Classification: Pathogenic for cystic fibrosis. Last evaluated: 2018-01-29. Review status: criteria provided, single submitter. Criteria: Claustres M et al. (Hum Mutat 2017). Collection method: curation. Allele origin: germline. Affected: yes.

Ambry Genetics
Classification: Likely pathogenic for Cystic fibrosis. Last evaluated: 2016-08-05. Review status: criteria provided, single submitter. Criteria: Ambry Variant Classification Scheme 2023. Collection method: clinical testing. Allele origin: germline.
Comment: The c.2908+1G>A intronic variant results from a G to A substitution one nucleotide after coding exon 17 of the CFTR gene. This variant was not reported in population based cohorts in the following databases: Database of Single Nucleotide Polymorphisms (dbSNP), NHLBI Exome Sequencing Project (ESP), and 1000 Genomes Project. In the ESP, this variant was not observed in 6503 samples (13006 alleles) with coverage at this position. This nucleotide position is highly conserved in available vertebrate species. Using the BDGP and ESEfinder splice site prediction tools, this alteration abolishes the splice donor splice site; however, direct evidence is unavailable. Alterations that disrupt the canonical splice site are expected to cause aberrant splicing, resulting in an abnormal protein or a transcript that is subject to nonsense-mediated mRNA decay. As such, this alteration is classified as likely pathogenic.

Literature cited by the submitters: PubMed 26708955 (cited by Women's Health and Genetics/Laboratory Corporation of America, LabCorp and Labcorp Genetics (formerly Invitae), Labcorp); PubMed 39296431 (cited by Women's Health and Genetics/Laboratory Corporation of America, LabCorp and Natera, Inc.); PubMed 39151434 (cited by Natera, Inc.); PubMed 16199547 (cited by Labcorp Genetics (formerly Invitae), Labcorp); PubMed 1695717 (cited by Labcorp Genetics (formerly Invitae), Labcorp); PubMed 7691345 (cited by Labcorp Genetics (formerly Invitae), Labcorp); PubMed 9725922 (cited by Labcorp Genetics (formerly Invitae), Labcorp).